The following is an entry in ClinVar:

NM_000168.6(GLI3):c.337C>T (p.Pro113Ser)

Gene: GLI3 (GLI family zinc finger 3; minus strand). Cytogenetic location: 7p14.1.
Variant type: single nucleotide variant.
Coding change: c.337C>T on transcript NM_000168.6 (MANE Select); coding-DNA position 337, C replaced by T.
Protein change: p.Pro113Ser; replaces proline 113 with serine.
Molecular consequence: missense variant.
Genome position (GRCh38, 1-based): chr7:42,148,256, G>A on the plus strand (C>T on the coding strand, the complement: GLI3 is on the minus strand). VCF-style: chr7-42148256-G-A. GRCh37 (hg19) VCF-style: chr7-42187855-G-A.
Other names: short protein forms P113S.
Identifiers: ClinVar variation 3360230 (VCV003360230.1).

ClinVar aggregate classification (germline): Uncertain significance (1 of 4 stars; one submission).

Submission:

GeneDx
Classification: Uncertain significance. Last evaluated: 2023-06-23. Review status: criteria provided, single submitter. Criteria: GeneDx Variant Classification Process June 2021. Collection method: clinical testing. Allele origin: germline. Affected: yes.
Comment: Not observed at significant frequency in large population cohorts (gnomAD); In silico analysis supports that this missense variant has a deleterious effect on protein structure/function; Has not been previously published as pathogenic or benign to our knowledge